The following is an entry in ClinVar:

NC_000022.11:g.(?_50525760)_(50529719_?)del

Genes: SCO2 (synthesis of cytochrome C oxidase 2; minus strand), TYMP (thymidine phosphorylase; minus strand). Cytogenetic location: 22q13.33.
Variant type: Deletion.
Identifiers: ClinVar variation 831985 (VCV000831985.1).

ClinVar aggregate classification (germline): Pathogenic (1 of 4 stars; one submission).

Submission:

Labcorp Genetics (formerly Invitae), Labcorp
Classification: Pathogenic. Last evaluated: 2019-03-11. Review status: criteria provided, single submitter. Criteria: Invitae Variant Classification Sherloc (09022015). Collection method: clinical testing. Allele origin: germline.
Comment: A gross deletion of the genomic region encompassing the full coding sequence of the TYMP gene has been identified. The boundaries of this event are unknown as the deletion extends beyond the assayed region for this gene and therefore may encompass additional genes. This variant has not been reported in the literature in individuals with TYMP-related conditions. Loss-of-function variants in TYMP are known to be pathogenic (PMID: 9924029, 15781193). For these reasons, this variant has been classified as Pathogenic.